The following is an entry in ClinVar:

NM_152383.5(DIS3L2):c.2540A>G (p.Glu847Gly)

Gene: DIS3L2 (DIS3 like 3'-5' exoribonuclease 2; plus strand). Cytogenetic location: 2q37.1.
Variant type: single nucleotide variant.
Coding change: c.2540A>G on transcript NM_152383.5 (MANE Select); coding-DNA position 2540, A replaced by G.
Protein change: p.Glu847Gly; replaces glutamic acid 847 with glycine.
Molecular consequence: missense variant. On other transcripts: non-coding transcript variant (2), intron variant (1).
Genome position (GRCh38, 1-based): chr2:232,336,512, A>G. VCF-style: chr2-232336512-A-G. GRCh37 (hg19) VCF-style: chr2-233201222-A-G.
Other names: c.1582-6833A>G (NM_001257281.2); short protein forms E847G.
Identifiers: ClinVar variation 839244 (VCV000839244.11), dbSNP rs1695954431, ClinGen allele CA350978922.

ClinVar aggregate classification (germline): Uncertain significance. Review status: criteria provided, multiple submitters, no conflicts (2 of 4 stars). 2 submissions from 2 submitters: Uncertain significance (2). Last evaluated 2023-05-01.

Conditions:
Perlman syndrome (PRLMNS). Identifiers: Orphanet 2849, MedGen C0796113, MONDO:0009965, OMIM 267000.

gnomAD v4.1: 1 of 1,611,408 alleles (0.000062%); highest among the groups gnomAD compares: Non-Finnish European, 0.000085%; no homozygotes.

Submissions (2):

Labcorp Genetics (formerly Invitae), Labcorp
Classification: Uncertain significance for Perlman syndrome. Last evaluated: 2023-05-01. Review status: criteria provided, single submitter. Criteria: Invitae Variant Classification Sherloc (09022015). Collection method: clinical testing. Allele origin: germline.
Comment: In summary, the available evidence is currently insufficient to determine the role of this variant in disease. Therefore, it has been classified as a Variant of Uncertain Significance. Advanced modeling of protein sequence and biophysical properties (such as structural, functional, and spatial information, amino acid conservation, physicochemical variation, residue mobility, and thermodynamic stability) performed at Invitae indicates that this missense variant is not expected to disrupt DIS3L2 protein function. ClinVar contains an entry for this variant (Variation ID: 839244). This variant has not been reported in the literature in individuals affected with DIS3L2-related conditions. This variant is not present in population databases (gnomAD no frequency). This sequence change replaces glutamic acid, which is acidic and polar, with glycine, which is neutral and non-polar, at codon 847 of the DIS3L2 protein (p.Glu847Gly).

GeneDx
Classification: Uncertain significance. Last evaluated: 2020-10-23. Review status: criteria provided, single submitter. Criteria: GeneDx Variant Classification Process June 2021. Collection method: clinical testing. Allele origin: germline. Affected: yes.
Comment: Not observed in large population cohorts (Lek et al., 2016); In silico analysis supports that this missense variant does not alter protein structure/function; Has not been previously published as pathogenic or benign to our knowledge